The following is an entry in ClinVar:

NM_014795.4(ZEB2):c.2654G>T (p.Ser885Ile)

Gene: ZEB2 (zinc finger E-box binding homeobox 2; minus strand). Cytogenetic location: 2q22.3.
Variant type: single nucleotide variant.
Coding change: c.2654G>T on transcript NM_014795.4 (MANE Select); coding-DNA position 2654, G replaced by T.
Protein change: p.Ser885Ile; replaces serine 885 with isoleucine.
Molecular consequence: missense variant.
Genome position (GRCh38, 1-based): chr2:144,398,533, C>A on the plus strand (G>T on the coding strand, the complement: ZEB2 is on the minus strand). VCF-style: chr2-144398533-C-A. GRCh37 (hg19) VCF-style: chr2-145156100-C-A.
Other names: c.2582G>T, p.Ser861Ile (NM_001171653.2); short protein forms S861I, S885I.
Identifiers: ClinVar variation 1997079 (VCV001997079.4), dbSNP rs2549105780, ClinGen allele CA348707580.

ClinVar aggregate classification (germline): Uncertain significance (1 of 4 stars; one submission).

Conditions:
Mowat-Wilson syndrome (MOWS). Also called: Classic Mowat-Wilson Syndrome. Identifiers: Orphanet 2152, MedGen C1856113, MONDO:0009341, OMIM 235730.

Submission:

Labcorp Genetics (formerly Invitae), Labcorp
Classification: Uncertain significance for Mowat-Wilson syndrome. Last evaluated: 2022-05-20. Review status: criteria provided, single submitter. Criteria: Invitae Variant Classification Sherloc (09022015). Collection method: clinical testing. Allele origin: germline.
Comment: This sequence change replaces serine, which is neutral and polar, with isoleucine, which is neutral and non-polar, at codon 885 of the ZEB2 protein (p.Ser885Ile). In summary, the available evidence is currently insufficient to determine the role of this variant in disease. Therefore, it has been classified as a Variant of Uncertain Significance. Algorithms developed to predict the effect of missense changes on protein structure and function are either unavailable or do not agree on the potential impact of this missense change (SIFT: "Deleterious"; PolyPhen-2: "Benign"; Align-GVGD: "Class C0"). This variant has not been reported in the literature in individuals affected with ZEB2-related conditions. This variant is not present in population databases (gnomAD no frequency).